The following is an entry in ClinVar:

ClinVar aggregate classification (germline): Conflicting classifications of pathogenicity. Review status: criteria provided, conflicting classifications (1 of 4 stars). 3 submissions from 3 submitters: Uncertain significance (2); Likely benign (1). Last evaluated 2024-04-02.

Conditions:
Rubinstein-Taybi syndrome due to CREBBP mutations (RSTS1). Also called: CREBBP-Related Rubinstein-Taybi Syndrome; RUBINSTEIN-TAYBI SYNDROME 1, INCOMPLETE; BROAD THUMB-HALLUX SYNDROME; RUBINSTEIN SYNDROME; Rubinstein-Taybi syndrome 1; BROAD THUMBS AND GREAT TOES, CHARACTERISTIC FACIES, AND IMPAIRED INTELLECTUAL DEVELOPMENT. Identifiers: Orphanet 353277, Orphanet 783, MedGen C4551859, MONDO:0008393, OMIM 180849.
Menke-Hennekam syndrome 1 (MKHK1). Identifiers: MedGen C5193034, MONDO:0020763, OMIM 618332.
Rubinstein-Taybi syndrome (RSTS). Identifiers: Orphanet 783, MedGen C0035934, MONDO:0019188.

Allele frequency attached by ClinVar (database versions not stated): ExAC 0.00001; gnomAD 0.00001; gnomAD exomes 0.00001.
gnomAD v4.1: 20 of 1,614,114 alleles (0.0012%); highest among the groups gnomAD compares: East Asian, 0.0022%; no homozygotes.

Submissions (3):

Fulgent Genetics
Classification: Uncertain significance for Rubinstein-Taybi syndrome due to CREBBP mutations; Menke-Hennekam syndrome 1. Last evaluated: 2024-04-02. Review status: criteria provided, single submitter. Criteria: ACMG Guidelines, 2015. Collection method: clinical testing. Allele origin: germline.

Labcorp Genetics (formerly Invitae), Labcorp
Classification: Likely benign for Rubinstein-Taybi syndrome. Last evaluated: 2023-08-04. Review status: criteria provided, single submitter. Criteria: Invitae Variant Classification Sherloc (09022015). Collection method: clinical testing. Allele origin: germline.

CeGaT Center for Human Genetics Tuebingen
Classification: Uncertain significance. Last evaluated: 2022-12-01. Review status: criteria provided, single submitter. Criteria: CeGaT Center For Human Genetics Tuebingen Variant Classification Criteria Version 2. Collection method: clinical testing. Allele origin: germline. Affected: yes. Observed: 1 variant allele.
Comment: CREBBP: PP2

NM_004380.3(CREBBP):c.463G>A (p.Ala155Thr)

Gene: CREBBP (CREB binding lysine acetyltransferase; minus strand). Cytogenetic location: 16p13.3.
Variant type: single nucleotide variant.
Coding change: c.463G>A on transcript NM_004380.3 (MANE Select); coding-DNA position 463, G replaced by A.
Protein change: p.Ala155Thr; replaces alanine 155 with threonine.
Molecular consequence: missense variant.
Genome position (GRCh38, 1-based): chr16:3,850,632, C>T on the plus strand (G>A on the coding strand, the complement: CREBBP is on the minus strand). VCF-style: chr16-3850632-C-T. GRCh37 (hg19) VCF-style: chr16-3900633-C-T.
Other names: c.463G>A, p.Ala155Thr (NM_001079846.1); short protein forms A155T.
Identifiers: ClinVar variation 2646143 (VCV002646143.28), dbSNP rs780333650, ClinGen allele CA7870669.